The following is an entry in ClinVar:

ClinVar aggregate classification (germline): Uncertain significance (1 of 4 stars; one submission).

Conditions:
Spondyloenchondrodysplasia with immune dysregulation (SPENCDI). Also called: ROIFMAN IMMUNOSKELETAL SYNDROME; SPONDYLOENCHONDRODYSPLASIA WITH OR WITHOUT IMMUNE DYSREGULATION; COMBINED IMMUNODEFICIENCY WITH AUTOIMMUNITY AND SPONDYLOMETAPHYSEAL DYSPLASIA. Identifiers: Orphanet 1855, MedGen C1842763, MONDO:0011939, OMIM 607944.

Submission:

Labcorp Genetics (formerly Invitae), Labcorp
Classification: Uncertain significance for Spondyloenchondrodysplasia with immune dysregulation. Last evaluated: 2023-04-26. Review status: criteria provided, single submitter. Criteria: Invitae Variant Classification Sherloc (09022015). Collection method: clinical testing. Allele origin: germline.
Comment: In summary, the available evidence is currently insufficient to determine the role of this variant in disease. Therefore, it has been classified as a Variant of Uncertain Significance. Advanced modeling of protein sequence and biophysical properties (such as structural, functional, and spatial information, amino acid conservation, physicochemical variation, residue mobility, and thermodynamic stability) performed at Invitae indicates that this missense variant is expected to disrupt ACP5 protein function. This variant has not been reported in the literature in individuals affected with ACP5-related conditions. This variant is not present in population databases (gnomAD no frequency). This sequence change replaces asparagine, which is neutral and polar, with isoleucine, which is neutral and non-polar, at codon 110 of the ACP5 protein (p.Asn110Ile).

NM_001611.5(ACP5):c.329A>T (p.Asn110Ile)

Gene: ACP5 (acid phosphatase 5, tartrate resistant; minus strand). Cytogenetic location: 19p13.2.
Variant type: single nucleotide variant.
Coding change: c.329A>T on transcript NM_001611.5 (MANE Select); coding-DNA position 329, A replaced by T.
Protein change: p.Asn110Ile; replaces asparagine 110 with isoleucine.
Molecular consequence: missense variant.
Genome position (GRCh38, 1-based): chr19:11,576,776, T>A on the plus strand (A>T on the coding strand, the complement: ACP5 is on the minus strand). VCF-style: chr19-11576776-T-A. GRCh37 (hg19) VCF-style: chr19-11687591-T-A.
Other names: c.329A>T, p.Asn110Ile (NM_001111034.3, NM_001111035.3, NM_001111036.3 and 1 more transcripts); short protein forms N110I.
Identifiers: ClinVar variation 2859650 (VCV002859650.3), dbSNP rs2512728682, ClinGen allele CA404148177.